The following is an entry in ClinVar:

NM_001166108.2(PALLD):c.2119A>G (p.Arg707Gly)

Genes: CBR4 (carbonyl reductase 4; minus strand), PALLD (palladin, cytoskeletal associated protein; plus strand). Cytogenetic location: 4q32.3.
Variant type: single nucleotide variant.
Coding change: c.2119A>G on transcript NM_001166108.2 (MANE Select); coding-DNA position 2119, A replaced by G.
Protein change: p.Arg707Gly; replaces arginine 707 with glycine.
Molecular consequence: missense variant. On other transcripts: 5 prime UTR variant (4).
Genome position (GRCh38, 1-based): chr4:168,894,597, A>G. VCF-style: chr4-168894597-A-G. GRCh37 (hg19) VCF-style: chr4-169815748-A-G.
Other names: c.973A>G, p.Arg325Gly (NM_001166109.2); c.658A>G, p.Arg220Gly (NM_001166110.2); c.-3A>G (NM_001367567.1, NM_001367568.1, NM_001367569.1 and 1 more transcripts); c.2119A>G, p.Arg707Gly (NM_016081.4); short protein forms R220G, R325G, R707G.
Identifiers: ClinVar variation 4861540 (VCV004861540.1).
Genomic context (GRCh38, chr4:168,894,597, plus strand): 5'-TTTTTTTCTAATTTTGTATTTTTTGTGACTTACGTTGTTTAGAGGTTAACATACGAAGAA[A>G]GAATGGCTCGTCGACTGCTAGGTGCTGACAGTGCAACTGTCTTTAATATTCAGGAGCCAG-3'
Protein context (NP_001159580.1, residues 697-717): NGQPRLTYEE[Arg707Gly]MARRLLGADS

ClinVar aggregate classification (germline): Uncertain significance (1 of 4 stars; one submission).

Submission:

Ambry Genetics
Classification: Uncertain significance. Last evaluated: 2026-04-22. Review status: criteria provided, single submitter. Criteria: Ambry Variant Classification Scheme 2023. Collection method: clinical testing. Allele origin: germline.
Comment: The p.R220G variant (also known as c.658A>G), located in coding exon 3 of the PALLD gene, results from an A to G substitution at nucleotide position 658. The arginine at codon 220 is replaced by glycine, an amino acid with dissimilar properties. This amino acid position is conserved. In addition, the in silico prediction for this alteration is inconclusive. Based on the available evidence, the clinical significance of this variant remains unclear.